The following is an entry in ClinVar:

ClinVar aggregate classification (germline): Likely benign (1 of 4 stars; one submission).

Allele frequency attached by ClinVar (database versions not stated): gnomAD exomes below 0.00001; gnomAD 0.00001; TOPMed 0.00001.
gnomAD v4.1: 7 of 1,530,068 alleles (0.00046%); highest among the groups gnomAD compares: Non-Finnish European, 0.00062%; no homozygotes.

Submission:

GeneDx
Classification: Likely benign. Last evaluated: 2017-08-17. Review status: criteria provided, single submitter. Criteria: GeneDx Variant Classification (06012015). Collection method: clinical testing. Allele origin: germline. Affected: yes.
Comment: This variant is considered likely benign or benign based on one or more of the following criteria: it is a conservative change, it occurs at a poorly conserved position in the protein, it is predicted to be benign by multiple in silico algorithms, and/or has population frequency not consistent with disease.

NM_001042545.2(LTBP4):c.3832+10C>T

Gene: LTBP4 (latent transforming growth factor beta binding protein 4; plus strand). Cytogenetic location: 19q13.2.
Variant type: single nucleotide variant.
Coding change: c.3832+10C>T on transcript NM_001042545.2 (MANE Select); 10 bases into the intron after coding-DNA position 3832, C replaced by T.
Molecular consequence: intron variant.
Genome position (GRCh38, 1-based): chr19:40,624,092, C>T. VCF-style: chr19-40624092-C-T. GRCh37 (hg19) VCF-style: chr19-41129997-C-T.
Other names: c.3922+10C>T (NM_003573.2); c.4033+10C>T (NM_001042544.1).
Identifiers: ClinVar variation 511461 (VCV000511461.1), dbSNP rs1440756922, ClinGen allele CA658799226.